The following is an entry in ClinVar:

ClinVar aggregate classification (germline): Conflicting classifications of pathogenicity. Review status: criteria provided, conflicting classifications (1 of 4 stars). 2 submissions from 2 submitters: Likely pathogenic (1); Uncertain significance (1). Last evaluated 2026-01-26.

Conditions:
Cardiovascular phenotype. Identifiers: MedGen CN230736.
Long QT syndrome (LQTS). Identifiers: MedGen C0023976, MeSH D008133, MONDO:0002442. Disease mechanism: loss of function. Inheritance: Various modes of inheritance.

Submissions (3):

Labcorp Genetics (formerly Invitae), Labcorp
Classification: Likely pathogenic for Long QT syndrome. Last evaluated: 2026-01-26. Review status: criteria provided, single submitter. Criteria: Invitae Variant Classification Sherloc (09022015). Collection method: clinical testing. Allele origin: germline.
Comment: This sequence change replaces serine, which is neutral and polar, with tryptophan, which is neutral and slightly polar, at codon 74 of the KCNE1 protein (p.Ser74Trp). This variant is not present in population databases (gnomAD no frequency). This missense change has been observed in individual(s) with long QT syndrome (internal data). ClinVar contains an entry for this variant (Variation ID: 409231). Invitae Evidence Modeling of protein sequence and biophysical properties (such as structural, functional, and spatial information, amino acid conservation, physicochemical variation, residue mobility, and thermodynamic stability) indicates that this missense variant is expected to disrupt KCNE1 protein function with a positive predictive value of 95%. This variant disrupts the p.Ser74 amino acid residue in KCNE1. Other variant(s) that disrupt this residue have been determined to be pathogenic (PMID: 9354802, 9834138, 19008479, 19907016, 31941373; internal data). This suggests that this residue is clinically significant, and that variants that disrupt this residue are likely to be disease-causing. In summary, the currently available evidence indicates that the variant is pathogenic, but additional data are needed to prove that conclusively. Therefore, this variant has been classified as Likely Pathogenic.

Ambry Genetics
Classification: Uncertain significance for Cardiovascular phenotype. Last evaluated: 2020-12-21. Review status: criteria provided, single submitter. Criteria: Ambry Variant Classification Scheme 2023. Collection method: clinical testing. Allele origin: germline.
Comment: The p.S74W variant (also known as c.221C>G), located in coding exon 1 of the KCNE1 gene, results from a C to G substitution at nucleotide position 221. The serine at codon 74 is replaced by tryptophan, an amino acid with highly dissimilar properties. This amino acid position is highly conserved in available vertebrate species. In addition, this alteration is predicted to be deleterious by in silico analysis. Since supporting evidence is limited at this time, the clinical significance of this alteration remains unclear.

Roden Lab, Vanderbilt University Medical Center
No classification provided (evidence only). Condition: Long QT syndrome 5. Review status: no classification provided. Collection method: in vitro. Allele origin: not applicable. Functional consequence: Effect on ion channel function. Not counted in ClinVar's aggregate classification.
ClinVar note: "not provided" was previously submitted as the classification for the variant. However, the classification appeared to be based only on an observation of functional data so it was converted to no classification on 2025-07-30.

Literature cited by the submitters: PubMed 9354802 (cited by Labcorp Genetics (formerly Invitae), Labcorp); PubMed 9834138 (cited by Labcorp Genetics (formerly Invitae), Labcorp); PubMed 19008479 (cited by Labcorp Genetics (formerly Invitae), Labcorp); PubMed 19907016 (cited by Labcorp Genetics (formerly Invitae), Labcorp); PubMed 31941373 (cited by Labcorp Genetics (formerly Invitae), Labcorp).

NM_000219.6(KCNE1):c.221C>G (p.Ser74Trp)

Gene: KCNE1 (potassium voltage-gated channel subfamily E regulatory subunit 1; minus strand). Cytogenetic location: 21q22.12.
Variant type: single nucleotide variant.
Coding change: c.221C>G on transcript NM_000219.6 (MANE Select); coding-DNA position 221, C replaced by G.
Protein change: p.Ser74Trp; replaces serine 74 with tryptophan.
Molecular consequence: missense variant.
Genome position (GRCh38, 1-based): chr21:34,449,414, G>C on the plus strand (C>G on the coding strand, the complement: KCNE1 is on the minus strand). VCF-style: chr21-34449414-G-C. GRCh37 (hg19) VCF-style: chr21-35821712-G-C.
Other names: c.221C>G, p.Ser74Trp (NM_001127668.4, NM_001127669.4, NM_001127670.4 and 4 more transcripts); short protein forms S74W.
Identifiers: ClinVar variation 409231 (VCV000409231.14), dbSNP rs74315446, ClinGen allele CA16616500.
Genomic context (GRCh38, chr21:34,449,414, plus strand): 5'-TAGGCCTTGTCCTTCTCTTGCCAGGCATCGGACTCGATGTAGACGTTGAATGGGTCGTTC[G>C]AGTGCTCCAGCTTCTTGGAGCGGATGTAGCTCAGCATGATGCCCAGGGTGAAGAAGCCGA-3'
Protein context (NP_000210.2, residues 64-84): SYIRSKKLEH[Ser74Trp]NDPFNVYIES